The following is an entry in ClinVar:

ClinVar aggregate classification (germline): Uncertain significance (1 of 4 stars; one submission).

Conditions:
Immunodeficiency, common variable, 10. Also called: IMMUNODEFICIENCY, COMMON VARIABLE, WITH CENTRAL ADRENAL INSUFFICIENCY; DEFICIT IN ANTERIOR PITUITARY FUNCTION AND VARIABLE IMMUNODEFICIENCY. Identifiers: MedGen C3809991, MONDO:0014260, OMIM 615577.

Allele frequency attached by ClinVar (database versions not stated): gnomAD exomes 0.00001.
gnomAD v4.1: 22 of 1,613,766 alleles (0.0014%); highest among the groups gnomAD compares: East Asian, 0.0022%; no homozygotes.

Submission:

Labcorp Genetics (formerly Invitae), Labcorp
Classification: Uncertain significance for Immunodeficiency, common variable, 10. Last evaluated: 2020-06-19. Review status: criteria provided, single submitter. Criteria: Invitae Variant Classification Sherloc (09022015). Collection method: clinical testing. Allele origin: germline.
Comment: Algorithms developed to predict the effect of missense changes on protein structure and function are either unavailable or do not agree on the potential impact of this missense change (SIFT: "Deleterious"; PolyPhen-2: "Probably Damaging"; Align-GVGD: "Class C0"). In summary, the available evidence is currently insufficient to determine the role of this variant in disease. Therefore, it has been classified as a Variant of Uncertain Significance. Algorithms developed to predict the effect of sequence changes on RNA splicing suggest that this variant may create or strengthen a splice site, but this prediction has not been confirmed by published transcriptional studies. This variant has not been reported in the literature in individuals with NFKB2-related conditions. This variant is not present in population databases (ExAC no frequency). This sequence change replaces arginine with glutamine at codon 558 of the NFKB2 protein (p.Arg558Gln). The arginine residue is moderately conserved and there is a small physicochemical difference between arginine and glutamine.

NM_001322934.2(NFKB2):c.1673G>A (p.Arg558Gln)

Gene: NFKB2 (nuclear factor kappa B subunit 2; plus strand). Cytogenetic location: 10q24.32.
Variant type: single nucleotide variant.
Coding change: c.1673G>A on transcript NM_001322934.2 (MANE Select); coding-DNA position 1673, G replaced by A.
Protein change: p.Arg558Gln; replaces arginine 558 with glutamine.
Molecular consequence: missense variant.
Genome position (GRCh38, 1-based): chr10:102,400,366, G>A. VCF-style: chr10-102400366-G-A. GRCh37 (hg19) VCF-style: chr10-104160123-G-A.
Other names: c.1673G>A, p.Arg558Gln (NM_001077494.3, NM_001261403.3, NM_001288724.1 and 1 more transcripts); c.1547G>A, p.Arg516Gln (NM_001322935.1); short protein forms R516Q, R558Q.
Identifiers: ClinVar variation 1057847 (VCV001057847.9), dbSNP rs1251274851, ClinGen allele CA377901815.